The following is an entry in ClinVar:

ClinVar aggregate classification (germline): Pathogenic (1 of 4 stars; one submission).

Conditions:
Hyperinsulinemic hypoglycemia, familial, 1 (HHF1). Also called: HYPERINSULINISM, FAMILIAL, WITH PANCREATIC NESIDIOBLASTOSIS; HYPOGLYCEMIA, HYPERINSULINEMIC, OF INFANCY; NESIDIOBLASTOSIS OF PANCREAS; Persistent Hyperinsulinemia Hypoglycemia of Infancy; Persistent hyperinsulinemic hypoglycemia of infancy. Identifiers: Orphanet 276575, Orphanet 276598, MedGen C2931832, MONDO:0009734, OMIM 256450.

Submission:

Myriad Genetics, Inc.
Classification: Pathogenic for Hyperinsulinemic hypoglycemia, familial, 1. Last evaluated: 2023-10-15. Review status: criteria provided, single submitter. Criteria: Myriad Autosomal Dominant, Autosomal Recessive and X-Linked Classification Criteria (2023). Collection method: clinical testing. Allele origin: unknown.
Comment: NM_000352.3(ABCC8):c.1110dupG(T371Dfs*12) is expected to be pathogenic in the context of familial hyperinsulinism, ABCC8-related. This variant is predicted to lead to an abnormal or absent protein product due to the creation of a premature termination codon in ABCC8, a gene where loss-of-function variants are known to be pathogenic. Please note: this variant was assessed in the context of healthy population screening.

NM_000352.6(ABCC8):c.1110dup (p.Thr371fs)

Gene: ABCC8 (ATP binding cassette subfamily C member 8; minus strand). Cytogenetic location: 11p15.1.
Variant type: Duplication.
Coding change: c.1110dup on transcript NM_000352.6 (MANE Select); coding-DNA position 1110, one base duplicated (G; older notation c.1110dupG).
Protein change: p.Thr371fs; shifts the reading frame from threonine 371.
Molecular consequence: frameshift variant. On other transcripts: non-coding transcript variant (1).
Genome position (GRCh38, 1-based): chr11:17,453,185, C duplicated on the plus strand (G on the coding strand, the reverse complement: ABCC8 is on the minus strand); the first of 2 consecutive C bases (chr11:17,453,185-17,453,186); duplicating either gives the same sequence. VCF-style (leftmost placement, unchanged base first): chr11-17453184-T-TC. GRCh37 (hg19) VCF-style: chr11-17474731-T-TC.
Other names: c.1110dup, p.Thr371fs (NM_001287174.3, NM_001351295.2); c.1107dup, p.Thr370fs (NM_001351296.2, NM_001351297.2); short protein forms T370fs, T371fs.
Identifiers: ClinVar variation 5012399 (VCV005012399.1).
Genomic context (GRCh38, chr11:17,453,184, plus strand): 5'-TTGCTCCTCTCAAGTTAATTCCAGTTTCAATGGCCACATAGTAGGATGCTTGCAGAAATG[T>TC]CCTTTGCAGTAGGAGGGCAAGGAACAGAAGCACAGCTAAGACGTAGGCATTGGCAAGGAA-3'